The following is an entry in ClinVar:

ClinVar aggregate classification (germline): Uncertain significance (1 of 4 stars; one submission).

Submission:

Medical Genetic Center, Changzhi Maternal and Child Health Care Hospital
Classification: Uncertain significance. Last evaluated: 2025-12-10. Review status: criteria provided, single submitter. Criteria: ACMG/ClinGen CNV Guidelines, 2019. Collection method: clinical testing. Allele origin: unknown.
Comment: 1A(0)+3A(0):SGCG MIPEP,SACS duplication

GRCh38/hg38 13q12.12(chr13:22945777-24396223)x3

Genes: C1QTNF9 (C1q and TNF related 9; plus strand), C1QTNF9B (C1q and TNF related 9B; minus strand), LINC00327 (long intergenic non-protein coding RNA 327; plus strand), LINC00362 (long intergenic non-protein coding RNA 362; minus strand), LINC00566 (long intergenic non-protein coding RNA 566; plus strand) and 55 more. Cytogenetic location: 13q12.12.
Variant type: copy number gain.
Change: copy number 3 (three copies instead of two) of chr13:22,945,777-24,396,223 (1.45 Mb, GRCh38 coordinates, 1-based), cytogenetic band 13q12.12.
Identifiers: ClinVar variation 4796283 (VCV004796283.1).